The following is an entry in ClinVar:

ClinVar aggregate classification (germline): Uncertain significance. Review status: criteria provided, multiple submitters, no conflicts (2 of 4 stars). 3 submissions from 3 submitters: Uncertain significance (3). Last evaluated 2025-10-07.

Conditions:
Inborn genetic diseases. Identifiers: MedGen C0950123, MeSH D030342.

Allele frequency attached by ClinVar (database versions not stated): gnomAD exomes below 0.00001; ExAC 0.00001; gnomAD 0.00001; TOPMed 0.00001.
gnomAD v4.1: 11 of 1,613,646 alleles (0.00068%); highest among the groups gnomAD compares: Non-Finnish European, 0.00093%; no homozygotes.

Submissions (3):

Ambry Genetics
Classification: Uncertain significance for Inborn genetic diseases. Last evaluated: 2025-10-07. Review status: criteria provided, single submitter. Criteria: Ambry Variant Classification Scheme 2023. Collection method: clinical testing. Allele origin: germline.

Labcorp Genetics (formerly Invitae), Labcorp
Classification: Uncertain significance. Last evaluated: 2024-10-29. Review status: criteria provided, single submitter. Criteria: Invitae Variant Classification Sherloc (09022015). Collection method: clinical testing. Allele origin: germline.
Comment: This sequence change replaces serine, which is neutral and polar, with phenylalanine, which is neutral and non-polar, at codon 1152 of the SETD5 protein (p.Ser1152Phe). This variant is present in population databases (rs771164384, gnomAD 0.0009%). This variant has not been reported in the literature in individuals affected with SETD5-related conditions. ClinVar contains an entry for this variant (Variation ID: 1012487). Invitae Evidence Modeling of protein sequence and biophysical properties (such as structural, functional, and spatial information, amino acid conservation, physicochemical variation, residue mobility, and thermodynamic stability) indicates that this missense variant is not expected to disrupt SETD5 protein function with a negative predictive value of 80%. In summary, the available evidence is currently insufficient to determine the role of this variant in disease. Therefore, it has been classified as a Variant of Uncertain Significance.

CeGaT Center for Human Genetics Tuebingen
Classification: Uncertain significance. Last evaluated: 2020-10-01. Review status: criteria provided, single submitter. Criteria: CeGaT Center For Human Genetics Tuebingen Variant Classification Criteria Version 2. Collection method: clinical testing. Allele origin: germline. Affected: yes. Observed: 1 variant allele.

NM_001080517.3(SETD5):c.3455C>T (p.Ser1152Phe)

Gene: SETD5 (SET domain containing 5; plus strand). Cytogenetic location: 3p25.3.
Variant type: single nucleotide variant.
Coding change: c.3455C>T on transcript NM_001080517.3 (MANE Select); coding-DNA position 3455, C replaced by T.
Protein change: p.Ser1152Phe; replaces serine 1152 with phenylalanine.
Molecular consequence: missense variant.
Genome position (GRCh38, 1-based): chr3:9,473,495, C>T. VCF-style: chr3-9473495-C-T. GRCh37 (hg19) VCF-style: chr3-9515179-C-T.
Other names: c.3161C>T, p.Ser1054Phe (NM_001292043.2, NM_001349451.2); c.3455C>T (NM_001080517.1); short protein forms S1054F, S1152F.
Identifiers: ClinVar variation 1012487 (VCV001012487.43), dbSNP rs771164384, ClinGen allele CA2239692.